The following is an entry in ClinVar:

ClinVar aggregate classification (germline): Uncertain significance (1 of 4 stars; one submission).

Submission:

GeneDx
Classification: Uncertain significance. Last evaluated: 2023-09-26. Review status: criteria provided, single submitter. Criteria: GeneDx Variant Classification Process June 2021. Collection method: clinical testing. Allele origin: germline. Affected: yes.
Comment: Not observed at significant frequency in large population cohorts (gnomAD); In silico analysis supports that this missense variant does not alter protein structure/function; Has not been previously published as pathogenic or benign to our knowledge

NM_001379110.1(SLC9A6):c.679G>A (p.Glu227Lys)

Gene: SLC9A6 (solute carrier family 9 member A6; plus strand). Cytogenetic location: Xq26.3.
Variant type: single nucleotide variant.
Coding change: c.679G>A on transcript NM_001379110.1 (MANE Select); coding-DNA position 679, G replaced by A.
Protein change: p.Glu227Lys; replaces glutamic acid 227 with lysine.
Molecular consequence: missense variant.
Genome position (GRCh38, 1-based): chrX:136,002,149, G>A. VCF-style: chrX-136002149-G-A. GRCh37 (hg19) VCF-style: chrX-135084308-G-A.
Other names: c.835G>A, p.Glu279Lys (NM_001042537.2); c.679G>A, p.Glu227Lys (NM_001177651.2, NM_001400909.1, NM_001400910.1 and 2 more transcripts); c.583G>A, p.Glu195Lys (NM_001330652.2, NM_001400913.1); c.739G>A, p.Glu247Lys (NM_006359.3); short protein forms E195K, E227K, E247K, E279K.
Identifiers: ClinVar variation 2581745 (VCV002581745.1), dbSNP rs2521220191, ClinGen allele CA414750417.
Genomic context (GRCh38, chrX:136,002,149, plus strand): 5'-GACTCTTTTTACTTACTAGTGACTGTTCTTGCTATATTCCACGAGCTTCAAGTTGATGTT[G>A]AACTCTATGCACTTCTTTTTGGTGAAAGTGTCCTCAATGATGCTGTTGCCATAGTGCTGT-3'
Protein context (NP_001366039.1, residues 217-237): AIFHELQVDV[Glu227Lys]LYALLFGESV